The following is an entry in ClinVar:

ClinVar aggregate classification (germline): Likely benign (1 of 4 stars; one submission).

Submission:

CeGaT Center for Human Genetics Tuebingen
Classification: Likely benign. Last evaluated: 2022-12-01. Review status: criteria provided, single submitter. Criteria: CeGaT Center For Human Genetics Tuebingen Variant Classification Criteria Version 2. Collection method: clinical testing. Allele origin: germline. Affected: yes. Observed: 1 variant allele.
Comment: DGKZ: BP4, BP7

NM_001199267.2(DGKZ):c.15C>T (p.Asp5=)

Gene: DGKZ (diacylglycerol kinase zeta; plus strand). Cytogenetic location: 11p11.2.
Variant type: single nucleotide variant.
Coding change: c.15C>T on transcript NM_001199267.2 (MANE Select); coding-DNA position 15, C replaced by T.
Protein change: p.Asp5=; no amino-acid change (aspartic acid 5 retained).
Molecular consequence: synonymous variant. On other transcripts: intron variant (2).
Genome position (GRCh38, 1-based): chr11:46,347,674, C>T. VCF-style: chr11-46347674-C-T. GRCh37 (hg19) VCF-style: chr11-46369224-C-T.
Other names: c.15C>T, p.Asp5= (NM_001199266.2, NM_001199268.2, NM_003646.4); c.212+14187C>T (NM_201532.3); c.176+2089C>T (NM_201533.3).
Identifiers: ClinVar variation 2641743 (VCV002641743.24), dbSNP rs1231686897, ClinGen allele CA473861375.